The following is an entry in ClinVar:

ClinVar aggregate classification (germline): Uncertain significance. Review status: criteria provided, multiple submitters, no conflicts (2 of 4 stars). 6 submissions from 6 submitters: Uncertain significance (6). Last evaluated 2025-08-03.

Conditions:
Familial adenomatous polyposis 1 (FAP1). Also called: POLYPOSIS, ADENOMATOUS INTESTINAL; FAMILIAL ADENOMATOUS POLYPOSIS 1, ATTENUATED. Identifiers: MedGen C2713442, MONDO:0021056, OMIM 175100. Disease mechanism: loss of function.
Hereditary cancer-predisposing syndrome. Also called: Hereditary Cancer Syndrome; Neoplastic Syndromes, Hereditary; Tumor predisposition; Hereditary neoplastic syndrome. Identifiers: Orphanet 140162, MedGen C0027672, MeSH D009386, MONDO:0015356.
Classic or attenuated familial adenomatous polyposis. Identifiers: MedGen CN372698, MONDO:0021057.

Allele frequency attached by ClinVar (database versions not stated): gnomAD exomes below 0.00001.
gnomAD v4.1: 1 of 1,613,952 alleles (0.000062%); highest among the groups gnomAD compares: Non-Finnish European, 0.000085%; no homozygotes.

Submissions (6):

Labcorp Genetics (formerly Invitae), Labcorp
Classification: Uncertain significance for Familial adenomatous polyposis 1. Last evaluated: 2025-08-03. Review status: criteria provided, single submitter. Criteria: Invitae Variant Classification Sherloc (09022015). Collection method: clinical testing. Allele origin: germline.
Comment: This sequence change replaces asparagine, which is neutral and polar, with aspartic acid, which is acidic and polar, at codon 2624 of the APC protein (p.Asn2624Asp). This variant is not present in population databases (gnomAD no frequency). This variant has not been reported in the literature in individuals affected with APC-related conditions. ClinVar contains an entry for this variant (Variation ID: 489499). Invitae Evidence Modeling of protein sequence and biophysical properties (such as structural, functional, and spatial information, amino acid conservation, physicochemical variation, residue mobility, and thermodynamic stability) indicates that this missense variant is not expected to disrupt APC protein function with a negative predictive value of 95%. In summary, the available evidence is currently insufficient to determine the role of this variant in disease. Therefore, it has been classified as a Variant of Uncertain Significance.

Baylor Genetics
Classification: Uncertain significance for Familial adenomatous polyposis 1. Last evaluated: 2024-02-23. Review status: criteria provided, single submitter. Criteria: ACMG Guidelines, 2015. Collection method: clinical testing. Allele origin: unknown.

Ambry Genetics
Classification: Uncertain significance for Hereditary cancer-predisposing syndrome. Last evaluated: 2023-10-05. Review status: criteria provided, single submitter. Criteria: Ambry Variant Classification Scheme 2023. Collection method: clinical testing. Allele origin: germline.
Comment: The p.N2624D variant (also known as c.7870A>G), located in coding exon 15 of the APC gene, results from an A to G substitution at nucleotide position 7870. The asparagine at codon 2624 is replaced by aspartic acid, an amino acid with highly similar properties. This amino acid position is not well conserved in available vertebrate species. In addition, in silico predictors for this gene do not accurately predict pathogenicity. Since supporting evidence is limited at this time, the clinical significance of this alteration remains unclear.

All of Us Research Program, National Institutes of Health
Classification: Uncertain significance for Classic or attenuated familial adenomatous polyposis. Last evaluated: 2023-01-10. Review status: criteria provided, single submitter. Criteria: ACMG Guidelines, 2015. Collection method: clinical testing. Allele origin: germline. Inheritance: Autosomal dominant inheritance. Observed: 1 variant allele, 1 heterozygote.
Comment: This missense variant replaces asparagine with aspartic acid at codon 2624 of the APC protein. Computational prediction suggests that this variant may not impact protein structure and function (internally defined REVEL score threshold <= 0.5, PMID: 27666373). To our knowledge, functional studies have not been reported for this variant. This variant has not been reported in individuals affected with hereditary cancer in the literature. This variant has not been identified in the general population by the Genome Aggregation Database (gnomAD). The available evidence is insufficient to determine the role of this variant in disease conclusively. Therefore, this variant is classified as a Variant of Uncertain Significance.

This study involves interpretation of variants in research participants for the purpose of population health screening. Participant phenotype was not available at the time of variant classification. Additional details can be found in publication PMID: 35346344, PMCID: PMC8962531

St. Jude Molecular Pathology, St. Jude Children's Research Hospital
Classification: Uncertain significance for Familial adenomatous polyposis 1. Last evaluated: 2022-11-16. Review status: criteria provided, single submitter. Criteria: St. Jude Assertion Criteria 2020. Collection method: clinical testing. Allele origin: germline.
Comment: The APC c.7870A>G (p.Asn2624Asp) missense change is absent in gnomAD v2.1.1. The in silico tool REVEL predicts a benign effect on protein function, but to our knowledge this prediction has not been confirmed by functional studies. To our knowledge, this variant has not been reported in individuals with APC-related familial adenomatous polyposis. In summary, the evidence currently available is insufficient to determine the clinical significance of this variant. It has therefore been classified as of uncertain significance.

Color Diagnostics, LLC DBA Color Health
Classification: Uncertain significance for Hereditary cancer-predisposing syndrome. Last evaluated: 2022-09-16. Review status: criteria provided, single submitter. Criteria: ACMG Guidelines, 2015. Collection method: clinical testing. Allele origin: germline.
Comment: This missense variant replaces asparagine with aspartic acid at codon 2624 of the APC protein. Computational prediction suggests that this variant may not impact protein structure and function (internally defined REVEL score threshold <= 0.5, PMID: 27666373). To our knowledge, functional studies have not been reported for this variant. This variant has not been reported in individuals affected with hereditary cancer in the literature. This variant has not been identified in the general population by the Genome Aggregation Database (gnomAD). The available evidence is insufficient to determine the role of this variant in disease conclusively. Therefore, this variant is classified as a Variant of Uncertain Significance.

NM_000038.6(APC):c.7870A>G (p.Asn2624Asp)

Gene: APC (APC regulator of Wnt signaling pathway; plus strand). Cytogenetic location: 5q22.2.
Variant type: single nucleotide variant.
Coding change: c.7870A>G on transcript NM_000038.6 (MANE Select); coding-DNA position 7870, A replaced by G.
Protein change: p.Asn2624Asp; replaces asparagine 2624 with aspartic acid.
Molecular consequence: missense variant.
Genome position (GRCh38, 1-based): chr5:112,843,464, A>G. VCF-style: chr5-112843464-A-G. GRCh37 (hg19) VCF-style: chr5-112179161-A-G.
Other names: c.7870A>G, p.Asn2624Asp (NM_001127510.3, NM_001354895.2); c.7816A>G, p.Asn2606Asp (NM_001127511.3); c.7924A>G, p.Asn2642Asp (NM_001354896.2); c.7900A>G, p.Asn2634Asp (NM_001354897.2); c.7795A>G, p.Asn2599Asp (NM_001354898.2); c.7786A>G, p.Asn2596Asp (NM_001354899.2); c.7747A>G, p.Asn2583Asp (NM_001354900.2); c.7693A>G, p.Asn2565Asp (NM_001354901.2); and 5 more; short protein forms N2606D, N2624D, N2464D, N2498D, N2565D, N2533D, N2596D, N2599D.
Identifiers: ClinVar variation 489499 (VCV000489499.18), dbSNP rs550242704, ClinGen allele CA16038432.